The following is an entry in ClinVar:

NM_014244.5(ADAMTS2):c.3351C>T (p.Asp1117=)

Gene: ADAMTS2 (ADAM metallopeptidase with thrombospondin type 1 motif 2; minus strand). Cytogenetic location: 5q35.3.
Variant type: single nucleotide variant.
Coding change: c.3351C>T on transcript NM_014244.5 (MANE Select); coding-DNA position 3351, C replaced by T.
Protein change: p.Asp1117=; no amino-acid change (aspartic acid 1117 retained).
Molecular consequence: synonymous variant.
Genome position (GRCh38, 1-based): chr5:179,114,152, G>A on the plus strand (C>T on the coding strand, the complement: ADAMTS2 is on the minus strand). VCF-style: chr5-179114152-G-A. GRCh37 (hg19) VCF-style: chr5-178541153-G-A.
Other names: p.Asp1117=.
Identifiers: ClinVar variation 353089 (VCV000353089.27), dbSNP rs777279065, ClinGen allele CA3595250.

ClinVar aggregate classification (germline): Conflicting classifications of pathogenicity. Review status: criteria provided, conflicting classifications (1 of 4 stars). 4 submissions from 4 submitters: Uncertain significance (1); Likely benign (3). Last evaluated 2025-12-22.

Conditions:
Ehlers-Danlos syndrome, dermatosparaxis type. Also called: EDS VIIC; Dermatosparaxis; Ehlers-Danlos syndrome, type VII, autosomal recessive. Identifiers: Orphanet 1901, MedGen C2700425, MONDO:0009161, OMIM 225410.

Allele frequency attached by ClinVar (database versions not stated): ExAC 0.00003; gnomAD exomes 0.00004 and 0.00006; gnomAD 0.00001; TOPMed 0.00001.
gnomAD v4.1: 82 of 1,613,018 alleles (0.0051%); highest among the groups gnomAD compares: Non-Finnish European, 0.0064%; no homozygotes.

Submissions (4):

Labcorp Genetics (formerly Invitae), Labcorp
Classification: Likely benign for Ehlers-Danlos syndrome, dermatosparaxis type. Last evaluated: 2025-12-22. Review status: criteria provided, single submitter. Criteria: Invitae Variant Classification Sherloc (09022015). Collection method: clinical testing. Allele origin: germline.

Mayo Clinic Laboratories, Mayo Clinic
Classification: Likely benign. Last evaluated: 2025-06-30. Review status: criteria provided, single submitter. Criteria: ACMG Guidelines, 2015. Collection method: clinical testing. Allele origin: germline. Observed: 1 variant allele.
Comment: BP4, BP7

CeGaT Center for Human Genetics Tuebingen
Classification: Likely benign. Last evaluated: 2024-12-01. Review status: criteria provided, single submitter. Criteria: CeGaT Center For Human Genetics Tuebingen Variant Classification Criteria Version 2. Collection method: clinical testing. Allele origin: germline. Affected: yes. Observed: 1 variant allele.
Comment: ADAMTS2: BP4, BP7

Illumina Laboratory Services, Illumina
Classification: Uncertain significance for Ehlers-Danlos syndrome, dermatosparaxis type. Last evaluated: 2018-01-12. Review status: criteria provided, single submitter. Criteria: ICSL Variant Classification Criteria 13 December 2019. Collection method: clinical testing. Allele origin: germline.